The following is an entry in ClinVar:

NM_000180.4(GUCY2D):c.3292C>G (p.Arg1098Gly)

Gene: GUCY2D (guanylate cyclase 2D, retinal; plus strand). Cytogenetic location: 17p13.1.
Variant type: single nucleotide variant.
Coding change: c.3292C>G on transcript NM_000180.4 (MANE Select); coding-DNA position 3292, C replaced by G.
Protein change: p.Arg1098Gly; replaces arginine 1098 with glycine.
Molecular consequence: missense variant.
Genome position (GRCh38, 1-based): chr17:8,016,510, C>G. VCF-style: chr17-8016510-C-G. GRCh37 (hg19) VCF-style: chr17-7919828-C-G.
Other names: short protein forms R1098G.
Identifiers: ClinVar variation 1025461 (VCV001025461.9), dbSNP rs776624188, ClinGen allele CA397956499.
Genomic context (GRCh38, chr17:8,016,510, plus strand): 5'-AACCACGGCATCAGCCTGCAGGAGATCCCACCCGAGCGGCGACGGAAGCTGGAGAAGGCG[C>G]GGCCGGGCCAGTTCTCTTGAGAAGTGAGGCCCGGCCCCGGACAGGTACTGCCCCCTCAGC-3'
Protein context (NP_000171.1, residues 1088-1103): PERRRKLEKA[Arg1098Gly]PGQFS

ClinVar aggregate classification (germline): Uncertain significance. Review status: criteria provided, multiple submitters, no conflicts (2 of 4 stars). 2 submissions from 2 submitters: Uncertain significance (2). Last evaluated 2020-09-04.

Conditions:
Cone-rod dystrophy 6 (CORD6). Also called: RETINAL CONE DYSTROPHY 2; Cone dystrophy progressive. Identifiers: Orphanet 1872, MedGen C1866293, MONDO:0011143, OMIM 601777.
Leber congenital amaurosis 1 (LCA1). Also called: Congenital absence of the rods and cones; Leber's congenital tapetoretinal degeneration; Leber's congenital tapetoretinal dysplasia; RETINAL BLINDNESS, CONGENITAL; AMAUROSIS CONGENITA OF LEBER I. Identifiers: Orphanet 65, MedGen C2931258, MONDO:0008764, OMIM 204000.

Submissions (2):

Labcorp Genetics (formerly Invitae), Labcorp
Classification: Uncertain significance for Leber congenital amaurosis 1; Cone-rod dystrophy 6. Last evaluated: 2020-09-04. Review status: criteria provided, single submitter. Criteria: Invitae Variant Classification Sherloc (09022015). Collection method: clinical testing. Allele origin: germline.
Comment: In summary, the available evidence is currently insufficient to determine the role of this variant in disease. Therefore, it has been classified as a Variant of Uncertain Significance. Algorithms developed to predict the effect of missense changes on protein structure and function are either unavailable or do not agree on the potential impact of this missense change (SIFT: "Deleterious"; PolyPhen-2: "Probably Damaging"; Align-GVGD: "Class C0"). This variant has not been reported in the literature in individuals with GUCY2D-related conditions. The frequency data for this variant in the population databases is considered unreliable, as metrics indicate insufficient coverage at this position in the ExAC database. This sequence change replaces arginine with glycine at codon 1098 of the GUCY2D protein (p.Arg1098Gly). The arginine residue is highly conserved and there is a moderate physicochemical difference between arginine and glycine.

Blueprint Genetics
Classification: Uncertain significance. Last evaluated: 2019-04-09. Review status: criteria provided, single submitter. Criteria: ACMG Guidelines, 2015. Collection method: clinical testing. Allele origin: germline.